The following is an entry in ClinVar:

ClinVar aggregate classification (germline): Conflicting classifications of pathogenicity. Review status: criteria provided, conflicting classifications (1 of 4 stars). 2 submissions from 2 submitters: Uncertain significance (1); Likely benign (1). Last evaluated 2022-12-13.

Conditions:
Infantile spasms. Also called: Infantile spasm. Identifiers: MedGen C3887898, HP:0012469.

Allele frequency attached by ClinVar (database versions not stated): ExAC 0.00002; gnomAD 0.00002; TOPMed 0.00003; gnomAD exomes 0.00004.
gnomAD v4.1: 182 of 1,613,790 alleles (0.011%); highest among the groups gnomAD compares: Middle Eastern, 0.033%; no homozygotes.

Submissions (2):

Ambry Genetics
Classification: Likely benign. Last evaluated: 2022-12-13. Review status: criteria provided, single submitter. Criteria: Ambry Variant Classification Scheme 2023. Collection method: clinical testing. Allele origin: germline.

Labcorp Genetics (formerly Invitae), Labcorp
Classification: Uncertain significance for Infantile spasms. Last evaluated: 2022-10-13. Review status: criteria provided, single submitter. Criteria: Invitae Variant Classification Sherloc (09022015). Collection method: clinical testing. Allele origin: germline.
Comment: In summary, the available evidence is currently insufficient to determine the role of this variant in disease. Therefore, it has been classified as a Variant of Uncertain Significance. Algorithms developed to predict the effect of missense changes on protein structure and function output the following: SIFT: "Tolerated"; PolyPhen-2: "Benign"; Align-GVGD: "Class C0". The serine amino acid residue is found in multiple mammalian species, which suggests that this missense change does not adversely affect protein function. ClinVar contains an entry for this variant (Variation ID: 574785). This variant has not been reported in the literature in individuals affected with PIK3AP1-related conditions. This variant is present in population databases (rs781326320, gnomAD 0.006%). This sequence change replaces phenylalanine, which is neutral and non-polar, with serine, which is neutral and polar, at codon 555 of the PIK3AP1 protein (p.Phe555Ser).

NM_152309.3(PIK3AP1):c.1664T>C (p.Phe555Ser)

Gene: PIK3AP1 (phosphoinositide-3-kinase adaptor protein 1; minus strand). Cytogenetic location: 10q24.1.
Variant type: single nucleotide variant.
Coding change: c.1664T>C on transcript NM_152309.3 (MANE Select); coding-DNA position 1664, T replaced by C.
Protein change: p.Phe555Ser; replaces phenylalanine 555 with serine.
Molecular consequence: missense variant.
Genome position (GRCh38, 1-based): chr10:96,626,713, A>G on the plus strand (T>C on the coding strand, the complement: PIK3AP1 is on the minus strand). VCF-style: chr10-96626713-A-G. GRCh37 (hg19) VCF-style: chr10-98386470-A-G.
Other names: short protein forms F555S.
Identifiers: ClinVar variation 574785 (VCV000574785.9), dbSNP rs781326320, ClinGen allele CA5626202.